The following is an entry in ClinVar:

ClinVar aggregate classification (germline): Uncertain significance (1 of 4 stars; one submission).

Conditions:
Hereditary sensory and autonomic neuropathy type 1 (HSAN1). Also called: HSAN 1; HSN Type I; Hereditary Sensory Neuropathy Type I. Identifiers: Orphanet 36386, MedGen C0020071, MONDO:0018213.

Submission:

Labcorp Genetics (formerly Invitae), Labcorp
Classification: Uncertain significance for Hereditary sensory and autonomic neuropathy type 1. Last evaluated: 2022-10-18. Review status: criteria provided, single submitter. Criteria: Invitae Variant Classification Sherloc (09022015). Collection method: clinical testing. Allele origin: germline.
Comment: In summary, the available evidence is currently insufficient to determine the role of this variant in disease. Therefore, it has been classified as a Variant of Uncertain Significance. Algorithms developed to predict the effect of sequence changes on RNA splicing suggest that this variant may disrupt the consensus splice site. This variant has not been reported in the literature in individuals affected with SPTLC1-related conditions. This variant is not present in population databases (gnomAD no frequency). This sequence change affects a donor splice site in intron 3 of the SPTLC1 gene. It is expected to disrupt RNA splicing. Variants that disrupt the donor or acceptor splice site typically lead to a loss of protein function (PMID: 16199547), however the current clinical and genetic evidence is not sufficient to establish whether loss-of-function variants in SPTLC1 cause disease.

Literature cited by the submitters: PubMed 16199547.

NM_006415.4(SPTLC1):c.260+1G>A

Gene: SPTLC1 (serine palmitoyltransferase long chain base subunit 1; minus strand). Cytogenetic location: 9q22.31.
Variant type: single nucleotide variant.
Coding change: c.260+1G>A on transcript NM_006415.4 (MANE Select); the canonical splice donor site of the intron after coding-DNA position 260, G replaced by A.
Molecular consequence: splice donor variant.
Genome position (GRCh38, 1-based): chr9:92,108,739, C>T on the plus strand (G>A on the coding strand, the complement: SPTLC1 is on the minus strand). VCF-style: chr9-92108739-C-T. GRCh37 (hg19) VCF-style: chr9-94871021-C-T.
Other names: c.260+1G>A (NM_001281303.2, NM_178324.3); c.-240+1G>A (NM_001368272.1); c.-206+1G>A (NM_001368273.1).
Identifiers: ClinVar variation 2035965 (VCV002035965.4), dbSNP rs1198820440, ClinGen allele CA373794314.